The following is an entry in ClinVar:

ClinVar aggregate classification (germline): Uncertain significance (1 of 4 stars; one submission).

gnomAD v4.1: 5 of 1,211,426 alleles (0.00041%); highest among the groups gnomAD compares: Non-Finnish European, 0.00056%; no homozygotes.

Submission:

GeneDx
Classification: Uncertain significance. Last evaluated: 2024-01-10. Review status: criteria provided, single submitter. Criteria: GeneDx Variant Classification Process June 2021. Collection method: clinical testing. Allele origin: germline. Affected: yes.
Comment: In silico analysis supports that this missense variant has a deleterious effect on protein structure/function; Has not been previously published as pathogenic or benign to our knowledge

NM_001318510.2(ACSL4):c.313G>A (p.Gly105Arg)

Gene: ACSL4 (acyl-CoA synthetase long chain family member 4; minus strand). Cytogenetic location: Xq23.
Variant type: single nucleotide variant.
Coding change: c.313G>A on transcript NM_001318510.2 (MANE Select); coding-DNA position 313, G replaced by A.
Protein change: p.Gly105Arg; replaces glycine 105 with arginine.
Molecular consequence: missense variant.
Genome position (GRCh38, 1-based): chrX:109,682,812, C>T on the plus strand (G>A on the coding strand, the complement: ACSL4 is on the minus strand). VCF-style: chrX-109682812-C-T. GRCh37 (hg19) VCF-style: chrX-108926041-C-T.
Other names: c.436G>A, p.Gly146Arg (NM_001318509.2, NM_022977.3); c.313G>A, p.Gly105Arg (NM_004458.3); short protein forms G105R, G146R.
Identifiers: ClinVar variation 3367462 (VCV003367462.1).